The following is an entry in ClinVar:

NM_058216.3(RAD51C):c.797C>A (p.Ala266Asp)

Gene: RAD51C (RAD51 paralog C; plus strand). Cytogenetic location: 17q22.
Variant type: single nucleotide variant.
Coding change: c.797C>A on transcript NM_058216.3 (MANE Select); coding-DNA position 797, C replaced by A.
Protein change: p.Ala266Asp; replaces alanine 266 with aspartic acid.
Molecular consequence: missense variant. On other transcripts: non-coding transcript variant (1).
Genome position (GRCh38, 1-based): chr17:58,709,950, C>A. VCF-style: chr17-58709950-C-A. GRCh37 (hg19) VCF-style: chr17-56787311-C-A.
Other names: short protein forms A266D.
Identifiers: ClinVar variation 538762 (VCV000538762.8), dbSNP rs1555599239, ClinGen allele CA400354109.

ClinVar aggregate classification (germline): Uncertain significance (1 of 4 stars; one submission).

Conditions:
Fanconi anemia complementation group O. Also called: RAD51C-Related Fanconi Anemia. Identifiers: Orphanet 84, MedGen C3150653, MONDO:0013248, OMIM 613390.

Submission:

Labcorp Genetics (formerly Invitae), Labcorp
Classification: Uncertain significance for Fanconi anemia complementation group O. Last evaluated: 2017-08-08. Review status: criteria provided, single submitter. Criteria: Invitae Variant Classification Sherloc (09022015). Collection method: clinical testing. Allele origin: germline.
Comment: In summary, the available evidence is currently insufficient to determine the role of this variant in disease. Therefore, it has been classified as a Variant of Uncertain Significance. Algorithms developed to predict the effect of missense changes on protein structure and function do not agree on the potential impact of this missense change (SIFT: "Tolerated"; PolyPhen-2: "Possibly Damaging"; Align-GVGD: "Class C0"). This variant has not been reported in the literature in individuals with RAD51C-related disease. This variant is not present in population databases (ExAC no frequency). This sequence change replaces alanine with aspartic acid at codon 266 of the RAD51C protein (p.Ala266Asp). The alanine residue is highly conserved and there is a moderate physicochemical difference between alanine and aspartic acid.